The following is an entry in ClinVar:

ClinVar aggregate classification (germline): Uncertain significance (1 of 4 stars; one submission).

Allele frequency attached by ClinVar (database versions not stated): gnomAD exomes below 0.00001.
gnomAD v4.1: 1 of 1,613,668 alleles (0.000062%); highest among the groups gnomAD compares: Non-Finnish European, 0.000085%; no homozygotes.

Submission:

Labcorp Genetics (formerly Invitae), Labcorp
Classification: Uncertain significance. Last evaluated: 2023-08-27. Review status: criteria provided, single submitter. Criteria: Invitae Variant Classification Sherloc (09022015). Collection method: clinical testing. Allele origin: germline.
Comment: This sequence change replaces serine, which is neutral and polar, with phenylalanine, which is neutral and non-polar, at codon 288 of the TGFB1 protein (p.Ser288Phe). This variant is not present in population databases (gnomAD no frequency). This variant has not been reported in the literature in individuals affected with TGFB1-related conditions. ClinVar contains an entry for this variant (Variation ID: 2013824). An algorithm developed to predict the effect of missense changes on protein structure and function (PolyPhen-2) suggests that this variant is likely to be disruptive. In summary, the available evidence is currently insufficient to determine the role of this variant in disease. Therefore, it has been classified as a Variant of Uncertain Significance.

NM_000660.7(TGFB1):c.863C>T (p.Ser288Phe)

Gene: TGFB1 (transforming growth factor beta 1; minus strand). Cytogenetic location: 19q13.2.
Variant type: single nucleotide variant.
Coding change: c.863C>T on transcript NM_000660.7 (MANE Select); coding-DNA position 863, C replaced by T.
Protein change: p.Ser288Phe; replaces serine 288 with phenylalanine.
Molecular consequence: missense variant.
Genome position (GRCh38, 1-based): chr19:41,332,279, G>A on the plus strand (C>T on the coding strand, the complement: TGFB1 is on the minus strand). VCF-style: chr19-41332279-G-A. GRCh37 (hg19) VCF-style: chr19-41838184-G-A.
Other names: short protein forms S288F.
Identifiers: ClinVar variation 2013824 (VCV002013824.4), dbSNP rs2037942138, ClinGen allele CA405998751.